The following is an entry in ClinVar:

ClinVar aggregate classification (germline): Uncertain significance (1 of 4 stars; one submission).

Allele frequency attached by ClinVar (database versions not stated): ExAC 0.00001.

Submission:

Labcorp Genetics (formerly Invitae), Labcorp
Classification: Uncertain significance. Last evaluated: 2022-07-19. Review status: criteria provided, single submitter. Criteria: Invitae Variant Classification Sherloc (09022015). Collection method: clinical testing. Allele origin: germline.
Comment: This sequence change replaces alanine, which is neutral and non-polar, with valine, which is neutral and non-polar, at codon 194 of the USH1G protein (p.Ala194Val). This variant is not present in population databases (gnomAD no frequency). This variant has not been reported in the literature in individuals affected with USH1G-related conditions. ClinVar contains an entry for this variant (Variation ID: 1051005). Algorithms developed to predict the effect of missense changes on protein structure and function are either unavailable or do not agree on the potential impact of this missense change (SIFT: "Not Available"; PolyPhen-2: "Benign"; Align-GVGD: "Not Available"). In summary, the available evidence is currently insufficient to determine the role of this variant in disease. Therefore, it has been classified as a Variant of Uncertain Significance.

NM_173477.5(USH1G):c.581C>T (p.Ala194Val)

Gene: USH1G (USH1 protein network component sans; minus strand). Cytogenetic location: 17q25.1.
Variant type: single nucleotide variant.
Coding change: c.581C>T on transcript NM_173477.5 (MANE Select); coding-DNA position 581, C replaced by T.
Protein change: p.Ala194Val; replaces alanine 194 with valine.
Molecular consequence: missense variant.
Genome position (GRCh38, 1-based): chr17:74,920,255, G>A on the plus strand (C>T on the coding strand, the complement: USH1G is on the minus strand). VCF-style: chr17-74920255-G-A. GRCh37 (hg19) VCF-style: chr17-72916350-G-A.
Other names: c.272C>T, p.Ala91Val (NM_001282489.3); short protein forms A194V, A91V.
Identifiers: ClinVar variation 1051005 (VCV001051005.7), dbSNP rs771022122, ClinGen allele CA8754044.